The following is an entry in ClinVar:

NM_001042492.3(NF1):c.3510C>G (p.His1170Gln)

Gene: NF1 (neurofibromin 1; plus strand). Cytogenetic location: 17q11.2.
Variant type: single nucleotide variant.
Coding change: c.3510C>G on transcript NM_001042492.3 (MANE Select); coding-DNA position 3510, C replaced by G.
Protein change: p.His1170Gln; replaces histidine 1170 with glutamine.
Molecular consequence: missense variant.
Genome position (GRCh38, 1-based): chr17:31,233,015, C>G. VCF-style: chr17-31233015-C-G. GRCh37 (hg19) VCF-style: chr17-29560033-C-G.
Other names: c.3510C>G, p.His1170Gln (NM_000267.4); short protein forms H1170Q.
Identifiers: ClinVar variation 2452237 (VCV002452237.2), dbSNP rs2151435285, ClinGen allele CA398989687.

ClinVar aggregate classification (germline): Uncertain significance (1 of 4 stars; one submission).

Conditions:
Hereditary cancer-predisposing syndrome. Also called: Neoplastic Syndromes, Hereditary; Tumor predisposition; Hereditary neoplastic syndrome; Hereditary Cancer Syndrome. Identifiers: Orphanet 140162, MedGen C0027672, MeSH D009386, MONDO:0015356.
Cardiovascular phenotype. Identifiers: MedGen CN230736.

Submission:

Ambry Genetics
Classification: Uncertain significance for Cardiovascular phenotype; Hereditary cancer-predisposing syndrome. Last evaluated: 2022-12-09. Review status: criteria provided, single submitter. Criteria: Ambry Variant Classification Scheme 2023. Collection method: clinical testing. Allele origin: germline.
Comment: The p.H1170Q variant (also known as c.3510C>G), located in coding exon 27 of the NF1 gene, results from a C to G substitution at nucleotide position 3510. The histidine at codon 1170 is replaced by glutamine, an amino acid with highly similar properties. This amino acid position is conserved. In addition, this alteration is predicted to be deleterious by in silico analysis. Since supporting evidence is limited at this time, the clinical significance of this alteration remains unclear.